The following is an entry in ClinVar:

NM_003235.5(TG):c.7036+1G>T

Gene: TG (thyroglobulin; plus strand). Cytogenetic location: 8q24.22.
Variant type: single nucleotide variant.
Coding change: c.7036+1G>T on transcript NM_003235.5 (MANE Select); the canonical splice donor site of the intron after coding-DNA position 7036, G replaced by T.
Molecular consequence: splice donor variant.
Genome position (GRCh38, 1-based): chr8:133,022,151, G>T. VCF-style: chr8-133022151-G-T. GRCh37 (hg19) VCF-style: chr8-134034396-G-T.
Identifiers: ClinVar variation 2800701 (VCV002800701.4), dbSNP rs769281672, ClinGen allele CA4885102.

ClinVar aggregate classification (germline): Likely pathogenic. Review status: criteria provided, multiple submitters, no conflicts (2 of 4 stars). 2 submissions from 2 submitters: Likely pathogenic (2). Last evaluated 2024-01-27.

Conditions:
TG-related disorder. Also called: TG-related condition; TG-related disorders.

Allele frequency attached by ClinVar (database versions not stated): gnomAD exomes 0.00001; ExAC 0.00007.
gnomAD v4.1: 18 of 1,614,022 alleles (0.0011%); highest among the groups gnomAD compares: Non-Finnish European, 0.0014%; no homozygotes.

Submissions (2):

Labcorp Genetics (formerly Invitae), Labcorp
Classification: Likely pathogenic. Last evaluated: 2024-01-27. Review status: criteria provided, single submitter. Criteria: Invitae Variant Classification Sherloc (09022015). Collection method: clinical testing. Allele origin: germline.
Comment: This sequence change affects a donor splice site in intron 40 of the TG gene. It is expected to disrupt RNA splicing. Variants that disrupt the donor or acceptor splice site typically lead to a loss of protein function (PMID: 16199547), and loss-of-function variants in TG are known to be pathogenic (PMID: 19837936, 23164529). This variant is present in population databases (rs769281672, gnomAD 0.008%). This variant has not been reported in the literature in individuals affected with TG-related conditions. Algorithms developed to predict the effect of sequence changes on RNA splicing suggest that this variant may disrupt the consensus splice site. In summary, the currently available evidence indicates that the variant is pathogenic, but additional data are needed to prove that conclusively. Therefore, this variant has been classified as Likely Pathogenic.

Blueprint Genetics
Classification: Likely pathogenic for TG-related disorders. Last evaluated: 2020-07-01. Review status: criteria provided, single submitter. Criteria: ACMG Guidelines, 2015. Collection method: clinical testing. Allele origin: germline. Affected: yes. Observed: 4 variant alleles.

Literature cited by the submitters: PubMed 16199547 (cited by Labcorp Genetics (formerly Invitae), Labcorp); PubMed 19837936 (cited by Labcorp Genetics (formerly Invitae), Labcorp); PubMed 23164529 (cited by Labcorp Genetics (formerly Invitae), Labcorp).